The following is an entry in ClinVar:

ClinVar aggregate classification (germline): Pathogenic (1 of 4 stars; one submission).

Conditions:
Beta-D-mannosidosis (MANSB). Also called: Beta-Mannosidosis; MANNOSIDOSIS, BETA A, LYSOSOMAL; BETA-MANNOSIDASE DEFICIENCY; LYSOSOMAL BETA-MANNOSIDASE DEFICIENCY. Identifiers: Orphanet 118, MedGen C4048196, MONDO:0009562, OMIM 248510.

Allele frequency attached by ClinVar (database versions not stated): gnomAD exomes below 0.00001.

Submission:

Labcorp Genetics (formerly Invitae), Labcorp
Classification: Pathogenic for Beta-D-mannosidosis. Last evaluated: 2023-07-25. Review status: criteria provided, single submitter. Criteria: Invitae Variant Classification Sherloc (09022015). Collection method: clinical testing. Allele origin: germline.
Comment: For these reasons, this variant has been classified as Pathogenic. Algorithms developed to predict the effect of sequence changes on RNA splicing suggest that this variant may disrupt the consensus splice site. This variant has not been reported in the literature in individuals affected with MANBA-related conditions. This variant is not present in population databases (gnomAD no frequency). This sequence change creates a premature translational stop signal (p.Asp129Valfs*9) in the MANBA gene. It is expected to result in an absent or disrupted protein product. Loss-of-function variants in MANBA are known to be pathogenic (PMID: 9384606, 12468273).

Literature cited by the submitters: PubMed 9384606; PubMed 12468273.

NM_005908.4(MANBA):c.386del (p.Asp129fs)

Gene: MANBA (mannosidase beta; minus strand). Cytogenetic location: 4q24.
Variant type: Deletion.
Coding change: c.386del on transcript NM_005908.4 (MANE Select); coding-DNA position 386, one base deleted (A; older notation c.386delA).
Protein change: p.Asp129fs; shifts the reading frame from aspartic acid 129.
Molecular consequence: frameshift variant.
Genome position (GRCh38, 1-based): chr4:102,723,034, T deleted on the plus strand (A on the coding strand, the reverse complement: MANBA is on the minus strand). VCF-style (leftmost placement, unchanged base first): chr4-102723033-AT-A. GRCh37 (hg19) VCF-style: chr4-103644190-AT-A.
Other names: short protein forms D129fs.
Identifiers: ClinVar variation 2746804 (VCV002746804.3), dbSNP rs2528106112, ClinGen allele CA2671587718.